The following is an entry in ClinVar:

ClinVar aggregate classification (germline): Likely benign (1 of 4 stars; one submission).

Conditions:
Von Hippel-Lindau syndrome (VHLS). Also called: Von Hippel-Lindau; von Hippel–Lindau syndrome; VHL syndrome. Identifiers: Orphanet 892, MedGen C0019562, MONDO:0008667, OMIM 193300. Disease mechanism: loss of function.

Allele frequency attached by ClinVar (database versions not stated): TOPMed 0.00504; gnomAD exomes 0.00087; 1000 Genomes Project 0.00439; 1000 Genomes Project 30x 0.00453; gnomAD 0.00472 and 0.00497.

Submission:

Illumina Laboratory Services, Illumina
Classification: Likely benign for Von Hippel-Lindau syndrome. Last evaluated: 2018-02-12. Review status: criteria provided, single submitter. Criteria: ICSL Variant Classification Criteria 13 December 2019. Collection method: clinical testing. Allele origin: germline.
Comment: This variant was observed as part of a predisposition screen in an ostensibly healthy population. A literature search was performed for the gene, cDNA change, and amino acid change (where applicable). No publications were found based on this search. Allele frequency data from public databases allowed determination this variant is unlikely to cause disease. Therefore, this variant is classified as likely benign.

NM_000551.4(VHL):c.*1465C>A

Genes: VHL (von Hippel-Lindau tumor suppressor; plus strand), LOC107303340 (3p25 von Hippel-Lindau tumor suppressor, E3 ubiquitin protein ligase Alu-mediated recombination region; plus strand). Cytogenetic location: 3p25.3.
Variant type: single nucleotide variant.
Coding change: c.*1465C>A on transcript NM_000551.4 (MANE Select); 1465 bases downstream of the stop codon, C replaced by A.
Molecular consequence: 3 prime UTR variant.
Genome position (GRCh38, 1-based): chr3:10,151,430, C>A. VCF-style: chr3-10151430-C-A. GRCh37 (hg19) VCF-style: chr3-10193114-C-A.
Other names: c.*1661C>A (NM_001354723.2); c.*1465C>A (NM_198156.3).
Identifiers: ClinVar variation 342437 (VCV000342437.5), dbSNP rs183067022, ClinGen allele CA10616762.